The following is an entry in ClinVar:

NM_005529.7(HSPG2):c.3708G>A (p.Ala1236=)

Gene: HSPG2 (heparan sulfate proteoglycan 2; minus strand). Cytogenetic location: 1p36.12.
Variant type: single nucleotide variant.
Coding change: c.3708G>A on transcript NM_005529.7 (MANE Select); coding-DNA position 3708, G replaced by A.
Protein change: p.Ala1236=; no amino-acid change (alanine 1236 retained).
Molecular consequence: synonymous variant.
Genome position (GRCh38, 1-based): chr1:21,873,960, C>T on the plus strand (G>A on the coding strand, the complement: HSPG2 is on the minus strand). VCF-style: chr1-21873960-C-T. GRCh37 (hg19) VCF-style: chr1-22200453-C-T.
Other names: c.3711G>A, p.Ala1237= (NM_001291860.2).
Identifiers: ClinVar variation 295855 (VCV000295855.57), dbSNP rs202214491, ClinGen allele CA672545.

ClinVar aggregate classification (germline): Benign/Likely benign. Review status: criteria provided, multiple submitters, no conflicts (2 of 4 stars). 11 submissions from 10 submitters: Benign (5); Likely benign (5). 1 of the submissions does not count toward it. Last evaluated 2026-01-12.

Conditions:
Lethal Kniest-like syndrome (DDSH). Also called: Dyssegmental Dysplasia. Identifiers: Orphanet 1865, MedGen C1857100, MONDO:0009140, OMIM 224410.
Schwartz-Jampel syndrome type 1 (SJS1). Also called: MYOTONIC MYOPATHY, DWARFISM, CHONDRODYSTROPHY, AND OCULAR AND FACIAL ABNORMALITIES; CHONDRODYSTROPHIC MYOTONIA. Identifiers: MedGen C4551479, MONDO:0100435, OMIM 255800.
Connective tissue disorder. Also called: Connective tissue disease. Identifiers: MedGen C0009782, MONDO:0003900.
HSPG2-related disorder. Also called: HSPG2-related condition; HSPG2-related disorders.
Schwartz-Jampel syndrome. Also called: Myotonic myopathy dwarfism chondrodystrophy and ocular and facial abnormalities. Identifiers: Orphanet 800, MedGen C0036391, MONDO:0009717.

Allele frequency attached by ClinVar (database versions not stated): gnomAD 0.00017 and 0.00057; TOPMed 0.00033; gnomAD exomes 0.00099 and 0.00186; 1000 Genomes Project 30x 0.00234; 1000 Genomes Project 0.00300; ExAC 0.00352.
gnomAD v4.1: 1,548 of 1,605,528 alleles (0.096%); highest among the groups gnomAD compares: South Asian, 1.3%; 21 homozygotes.

Submissions (11):

Labcorp Genetics (formerly Invitae), Labcorp
Classification: Benign. Last evaluated: 2026-01-12. Review status: criteria provided, single submitter. Criteria: Invitae Variant Classification Sherloc (09022015). Collection method: clinical testing. Allele origin: germline.

CeGaT Center for Human Genetics Tuebingen
Classification: Benign. Last evaluated: 2026-01-01. Review status: criteria provided, single submitter. Criteria: CeGaT Center For Human Genetics Tuebingen Variant Classification Criteria Version 2. Collection method: clinical testing. Allele origin: germline. Affected: yes. Observed: 3 variant alleles.
Comment: HSPG2: BP4, BP7, BS1, BS2

Blueprint Genetics
Classification: Likely benign. Last evaluated: 2024-11-06. Review status: criteria provided, single submitter. Criteria: ACMG Guidelines, 2015. Collection method: clinical testing. Allele origin: germline.

Athena Diagnostics
Classification: Benign. Last evaluated: 2024-05-07. Review status: criteria provided, single submitter. Criteria: Athena Diagnostics Criteria. Collection method: clinical testing. Allele origin: unknown.

Fulgent Genetics
Classification: Likely benign for Lethal Kniest-like syndrome; Schwartz-Jampel syndrome type 1. Last evaluated: 2021-12-23. Review status: criteria provided, single submitter. Criteria: ACMG Guidelines, 2015. Collection method: clinical testing. Allele origin: unknown.

GeneDx
Classification: Likely benign. Last evaluated: 2020-10-30. Review status: criteria provided, single submitter. Criteria: GeneDx Variant Classification Process June 2021. Collection method: clinical testing. Allele origin: germline. Affected: yes.

Genome Diagnostics Laboratory, The Hospital for Sick Children
Classification: Likely benign for Connective tissue disorder. Last evaluated: 2019-06-01. Review status: criteria provided, single submitter. Criteria: ACMG Guidelines, 2015. Collection method: clinical testing. Allele origin: germline.

Illumina Laboratory Services, Illumina
Classification: Benign for Lethal Kniest-like syndrome. Last evaluated: 2018-01-13. Review status: criteria provided, single submitter. Criteria: ICSL Variant Classification Criteria 13 December 2019. Collection method: clinical testing. Allele origin: germline.
Comment: This variant was observed in the ICSL laboratory as part of a predisposition screen in an ostensibly healthy population. It had not been previously curated by ICSL or reported in the Human Gene Mutation Database (HGMD: prior to June 1st, 2018), and was therefore a candidate for classification through an automated scoring system. Utilizing variant allele frequency, disease prevalence and penetrance estimates, and inheritance mode, an automated score was calculated to assess if this variant is too frequent to cause the disease. Based on the score and internal cut-off values, a variant classified as benign is not then subjected to further curation. The score for this variant resulted in a classification of benign for this disease.

Illumina Laboratory Services, Illumina
Classification: Benign for Schwartz-Jampel syndrome type 1. Last evaluated: 2018-01-13. Review status: criteria provided, single submitter. Criteria: ICSL Variant Classification Criteria 13 December 2019. Collection method: clinical testing. Allele origin: germline.
Comment: the same text as in the submission from Illumina Laboratory Services, Illumina above.

Breakthrough Genomics
Classification: Likely benign. Review status: criteria provided, single submitter. Criteria: ACMG Guidelines, 2015. Collection method: not provided. Allele origin: germline. Inheritance: Autosomal recessive inheritance. Affected: yes.

PreventionGenetics, part of Exact Sciences
Classification: Benign for HSPG2-related condition. Last evaluated: 2019-05-23. Review status: no assertion criteria provided. Collection method: clinical testing. Allele origin: germline. Not counted in ClinVar's aggregate classification.
Comment: This variant is classified as benign based on ACMG/AMP sequence variant interpretation guidelines (Richards et al. 2015 PMID: 25741868, with internal and published modifications).